The following is an entry in ClinVar:

ClinVar aggregate classification (germline): Uncertain significance (1 of 4 stars; one submission).

Conditions:
Alstrom syndrome (ALMS). Identifiers: Orphanet 64, MedGen C0268425, MONDO:0008763, OMIM 203800.

Submission:

Labcorp Genetics (formerly Invitae), Labcorp
Classification: Uncertain significance for Alstrom syndrome. Last evaluated: 2016-08-10. Review status: criteria provided, single submitter. Criteria: Invitae Variant Classification Sherloc (09022015). Collection method: clinical testing. Allele origin: germline.
Comment: In summary, this variant is a novel missense change with uncertain impact on protein function. It has been classified as a Variant of Uncertain Significance. This variant is not present in population databases (ExAC no frequency) and has not been reported in the literature in individuals with a ALMS1-related disease. Algorithms developed to predict the effect of missense changes on protein structure and function do not agree on the potential impact of this missense change (SIFT: "Tolerated"; PolyPhen-2: "Probably Damaging"; Align-GVGD: "Class C0"). This sequence change replacesleucine with valine at codon 3645 of the ALMS1 protein (p.Leu3645Val). The leucine residue is highly conserved and there is a small physicochemical difference between leucine and valine.

NM_001378454.1(ALMS1):c.10930C>G (p.Leu3644Val)

Gene: ALMS1 (ALMS1 centrosome and basal body associated protein; plus strand). Cytogenetic location: 2p13.1.
Variant type: single nucleotide variant.
Coding change: c.10930C>G on transcript NM_001378454.1 (MANE Select); coding-DNA position 10930, C replaced by G.
Protein change: p.Leu3644Val; replaces leucine 3644 with valine.
Molecular consequence: missense variant.
Genome position (GRCh38, 1-based): chr2:73,572,807, C>G. VCF-style: chr2-73572807-C-G. GRCh37 (hg19) VCF-style: chr2-73799934-C-G.
Other names: c.10933C>G, p.Leu3645Val (NM_015120.4); short protein forms L3645V, L3644V.
Identifiers: ClinVar variation 403926 (VCV000403926.7), dbSNP rs1060500033, ClinGen allele CA16611225.